The following is an entry in ClinVar:

NM_001101426.4(CRPPA):c.1315G>T (p.Glu439Ter)

Gene: CRPPA (CDP-L-ribitol pyrophosphorylase A; minus strand). Cytogenetic location: 7p21.2.
Variant type: single nucleotide variant.
Coding change: c.1315G>T on transcript NM_001101426.4 (MANE Select); coding-DNA position 1315, G replaced by T.
Protein change: p.Glu439Ter; replaces glutamic acid 439 with a stop codon.
Molecular consequence: nonsense. On other transcripts: non-coding transcript variant (1).
Genome position (GRCh38, 1-based): chr7:16,091,736, C>A on the plus strand (G>T on the coding strand, the complement: CRPPA is on the minus strand). VCF-style: chr7-16091736-C-A. GRCh37 (hg19) VCF-style: chr7-16131361-C-A.
Other names: c.1165G>T, p.Glu389Ter (NM_001101417.4); c.1210G>T, p.Glu404Ter (NM_001368197.1); short protein forms E439*, E389*, E404*.
Identifiers: ClinVar variation 561033 (VCV000561033.4), dbSNP rs1202301143, ClinGen allele CA367000311.
Genomic context (GRCh38, chr7:16,091,736, plus strand): 5'-AGGTAATTTTTTGTGTTCTTCATGCTATCAGAAGCTGACCAATGAGTCCAGAATTTCTTT[C>A]CTTGATTAATGAAGCAATAATGATAGCACCTTGCCTTAAACTCTCCTGTAGCTTCTGATC-3'

ClinVar aggregate classification (germline): Conflicting classifications of pathogenicity. Review status: criteria provided, conflicting classifications (1 of 4 stars). 3 submissions from 3 submitters: Pathogenic (1); Likely pathogenic (1); Uncertain significance (1). Last evaluated 2023-11-10.

Conditions:
Muscular dystrophy-dystroglycanopathy (congenital with brain and eye anomalies), type A, 7. Also called: WALKER-WARBURG SYNDROME OR MUSCLE-EYE-BRAIN DISEASE, ISPD-RELATED; Congenital muscular dystrophy-dystroglycanopathy with brain and eye anomalies, type A7. Identifiers: Orphanet 899, MedGen C3553330, MONDO:0013835, OMIM 614643.

Allele frequency attached by ClinVar (database versions not stated): gnomAD exomes below 0.00001.
gnomAD v4.1: 3 of 1,563,262 alleles (0.00019%); highest among the groups gnomAD compares: Admixed American, 0.0057%; no homozygotes.

Submissions (3):

Daryl Scott Lab, Baylor College of Medicine
Classification: Uncertain significance for Muscular dystrophy-dystroglycanopathy (congenital with brain and eye anomalies), type A, 7. Last evaluated: 2023-11-10. Review status: criteria provided, single submitter. Criteria: ACMG Guidelines, 2015. Collection method: clinical testing. Allele origin: biparental.

GeneDx
Classification: Likely pathogenic. Last evaluated: 2023-05-05. Review status: criteria provided, single submitter. Criteria: GeneDx Variant Classification Process June 2021. Collection method: clinical testing. Allele origin: germline. Affected: yes.
Comment: Reported previously in a patient who also harbored a second variant (phase unknown); however, no clinical information was provided (Meng et al., 2017); Not observed at significant frequency in large population cohorts (gnomAD); Nonsense variant predicted to result in protein truncation as the last 13 amino acids are lost, although loss-of-function variants have not been reported downstream of this position in the protein; This variant is associated with the following publications: (PMID: 28973083)

Baylor Genetics
Classification: Pathogenic for Muscular dystrophy-dystroglycanopathy (congenital with brain and eye anomalies), type A, 7. Last evaluated: 2017-09-01. Review status: criteria provided, single submitter. Criteria: ACMG Guidelines, 2015. Collection method: clinical testing. Allele origin: germline. Inheritance: Autosomal recessive inheritance. Affected: yes.

Literature cited by the submitters: PubMed 25326635 (cited by Baylor Genetics).